The following is an entry in ClinVar:

ClinVar aggregate classification (germline): Pathogenic/Likely pathogenic. Review status: criteria provided, multiple submitters, no conflicts (2 of 4 stars). 11 submissions from 11 submitters: Pathogenic (4); Likely pathogenic (4). 3 of the submissions do not count toward it. Last evaluated 2025-09-02.

Conditions:
Mucopolysaccharidosis, MPS-III-A (MPS3A). Also called: Mucopolysaccharidosis, type IIIA; mucopolysaccharidosis type 3A; MPS IIIA (Sanfilippo Syndrome Type A); HEPARAN SULFATE SULFATASE DEFICIENCY; Mucopolysaccharidosis type IIIA (Sanfilippo A); SANFILIPPO SYNDROME A. Identifiers: Orphanet 581, Orphanet 79269, MedGen C0086647, MONDO:0009655, OMIM 252900.
SGSH-related disorder. Also called: SGSH-related condition.

Allele frequency attached by ClinVar (database versions not stated): ExAC 0.00001; gnomAD exomes below 0.00001; TOPMed 0.00001.
gnomAD v4.1: 26 of 1,613,840 alleles (0.0016%); highest among the groups gnomAD compares: South Asian, 0.0022%; no homozygotes.

Submissions (11):

Labcorp Genetics (formerly Invitae), Labcorp
Classification: Pathogenic for Mucopolysaccharidosis, MPS-III-A. Last evaluated: 2025-09-02. Review status: criteria provided, single submitter. Criteria: Invitae Variant Classification Sherloc (09022015). Collection method: clinical testing. Allele origin: germline.
Comment: This sequence change replaces arginine, which is basic and polar, with histidine, which is basic and polar, at codon 377 of the SGSH protein (p.Arg377His). This variant is present in population databases (rs746037899, gnomAD 0.003%). This missense change has been observed in individual(s) with mucopolysaccharidosis IIIA (PMID: 29023963, 31718697). ClinVar contains an entry for this variant (Variation ID: 1297691). Invitae Evidence Modeling of protein sequence and biophysical properties (such as structural, functional, and spatial information, amino acid conservation, physicochemical variation, residue mobility, and thermodynamic stability) indicates that this missense variant is expected to disrupt SGSH protein function with a positive predictive value of 95%. This variant disrupts the p.Arg377 amino acid residue in SGSH. Other variant(s) that disrupt this residue have been determined to be pathogenic (PMID: 9554748, 12000360, 19099774, 21910976). This suggests that this residue is clinically significant, and that variants that disrupt this residue are likely to be disease-causing. For these reasons, this variant has been classified as Pathogenic.

Natera, Inc.
Classification: Pathogenic for Mucopolysaccharidosis type IIIA. Last evaluated: 2025-08-21. Review status: criteria provided, single submitter. Criteria: Natera Variant Classification Schema (03/2026). Collection method: clinical testing. Allele origin: germline.
Comment: The c.1130G>A variant in SGSH is a missense variant predicted to cause substitution of arginine to histidine at amino acid 377. This variant is rare in the general population with a frequency below the threshold expected for the associated phenotype(s). This variant has been observed in one or more individuals affected with the associated recessive disease, as either homozygous or compound heterozygous with a second variant (PMID: 37597066, 36918699, 21061399, 9401012, 26787381, 31718697). Additionally, this variant has been observed to segregate in affected family members (PMID: 31718697). Computational prediction algorithms indicate this variant is likely to affect gene or protein function. Given the available evidence, this variant is classified as Pathogenic.

Fulgent Genetics
Classification: Likely pathogenic for Mucopolysaccharidosis, MPS-III-A. Last evaluated: 2024-05-06. Review status: criteria provided, single submitter. Criteria: ACMG Guidelines, 2015. Collection method: clinical testing. Allele origin: germline.

Baylor Genetics
Classification: Likely pathogenic for Mucopolysaccharidosis, MPS-III-A. Last evaluated: 2024-03-08. Review status: criteria provided, single submitter. Criteria: ACMG Guidelines, 2015. Collection method: clinical testing. Allele origin: unknown.

Foundation for Research in Genetics and Endocrinology, FRIGE's Institute of Human Genetics
Classification: Pathogenic for Mucopolysaccharidosis, MPS-III-A. Last evaluated: 2022-08-08. Review status: criteria provided, single submitter. Criteria: ACMG Guidelines, 2015. Collection method: clinical testing. Allele origin: germline. Inheritance: Autosomal recessive inheritance. Affected: yes. Observed: 1 compound heterozygote.
Comment: A compound heterozygous missense variation in exon 8 and exon 7 of the SGSH gene that results in the amino acid substitution of Histidine for Arginine at codon377 was detected. The observed variant c.1130G>A(p.Arg377His) has a minor allele frequency of 0.0003%, and 0.0008% in the 1000 genomes and gnomAD databases. Alternative variant chr17:78184631 G⇒A (Arg377Cys) is classified Pathogenic by UniProt Variants (and confirmed using ACMG). The in silico prediction of the variant is benign by DANN, SIFT, LRT ,FATHMM-XF, MutPred and MutationTaster2. The reference codon is conserved across species. In summary, the variant meets our criteria to be classified as a variant of uncertain significance.

Women's Health and Genetics/Laboratory Corporation of America, LabCorp
Classification: Pathogenic for Mucopolysaccharidosis, MPS-III-A. Last evaluated: 2022-05-16. Review status: criteria provided, single submitter. Criteria: LabCorp Variant Classification Summary - May 2015. Collection method: clinical testing. Allele origin: germline.
Comment: Variant summary: SGSH c.1130G>A (p.Arg377His) results in a non-conservative amino acid change in the encoded protein sequence. This variant is predicted to impact the structure of the SGSH protein due to loss of a buried salt bridge with Asp 477 and of hydrogen bonds to Ser 366 and Met 376 (Sidhu_2014). Five of five in-silico tools predict a damaging effect of the variant on protein function. The variant allele was found at a frequency of 4e-06 in 250948 control chromosomes. c.1130G>A has been reported in the literature as a compound heterozygous genotype in multiple individuals affected with Mucopolysaccharidosis Type IIIA (Sanfilippo Syndrome A) (example, Bunge_1997, Valstar_2010, Knottnerus_2017, Nijmeijer_2019). These data indicate that the variant is very likely to be associated with disease. To our knowledge, no experimental evidence demonstrating an impact on protein function has been reported. Four clinical diagnostic laboratories have submitted clinical-significance assessments for this variant to ClinVar after 2014 without evidence for independent evaluation. All laboratories classified the variant as pathogenic/likely pathogenic. Based on the evidence outlined above, the variant was classified as pathogenic.

Blueprint Genetics
Classification: Likely pathogenic for SGSH-related disorders. Last evaluated: 2022-01-27. Review status: criteria provided, single submitter. Criteria: ACMG Guidelines, 2015. Collection method: clinical testing. Allele origin: germline. Affected: yes. Observed: 1 variant allele.

Revvity Omics, Revvity
Classification: Likely pathogenic for Mucopolysaccharidosis, MPS-III-A. Last evaluated: 2021-09-16. Review status: criteria provided, single submitter. Criteria: ACMG Guidelines, 2015. Collection method: clinical testing. Allele origin: germline.

PreventionGenetics, part of Exact Sciences
Classification: Pathogenic for SGSH-related condition. Last evaluated: 2024-04-30. Review status: no assertion criteria provided. Collection method: clinical testing. Allele origin: germline. Not counted in ClinVar's aggregate classification.
Comment: The SGSH c.1130G>A variant is predicted to result in the amino acid substitution p.Arg377His. This variant has been reported with a second SGSH variant in individuals with mucopolysaccharidosis type IIIA (see, for example, Weber et al. 1997. PubMed ID: 9285796; Valstar et al. 2010. PubMed ID: 21061399; Nijmeijer et al. 2019. PubMed ID: 31718697; Table 2, Knottnerus et al. 2017. PubMed ID: 29023963). Other amino acid changes at this position (p.Arg377Cys, p.Arg377Ser, p.Arg377Leu) have also been reported in individuals with mucopolysaccharidosis type IIIA (Di Natale et al. 1998. PubMed ID: 9554748; Sudrié-Arnaud et al. 2021. PubMed ID: 33673364; Pollard et al. 2013. PubMed ID: 22976768). This variant is reported in 0.0033% of alleles in individuals of South Asian descent in gnomAD. This variant is interpreted as pathogenic.

Clinical Genetics DNA and cytogenetics Diagnostics Lab, Erasmus MC, Erasmus Medical Center
Classification: Pathogenic. Review status: no assertion criteria provided. Collection method: clinical testing. Allele origin: germline. Affected: yes. Study: VKGL Data-share Consensus. Not counted in ClinVar's aggregate classification.

Joint Genome Diagnostic Labs from Nijmegen and Maastricht, Radboudumc and MUMC+
Classification: Likely pathogenic. Review status: no assertion criteria provided. Collection method: clinical testing. Allele origin: germline. Affected: yes. Study: VKGL Data-share Consensus. Not counted in ClinVar's aggregate classification.

Literature cited by the submitters: PubMed 29023963 (cited by Labcorp Genetics (formerly Invitae), Labcorp and Women's Health and Genetics/Laboratory Corporation of America, LabCorp); PubMed 31718697 (cited by 3 submitters); PubMed 9554748 (cited by Labcorp Genetics (formerly Invitae), Labcorp); PubMed 12000360 (cited by Labcorp Genetics (formerly Invitae), Labcorp); PubMed 19099774 (cited by Labcorp Genetics (formerly Invitae), Labcorp); PubMed 21910976 (cited by Labcorp Genetics (formerly Invitae), Labcorp); PubMed 37597066 (cited by Natera, Inc.); PubMed 36918699 (cited by Natera, Inc.); PubMed 21061399 (cited by Natera, Inc. and Women's Health and Genetics/Laboratory Corporation of America, LabCorp); PubMed 9401012 (cited by Natera, Inc. and Women's Health and Genetics/Laboratory Corporation of America, LabCorp); PubMed 26787381 (cited by Natera, Inc.); PubMed 24816101 (cited by Women's Health and Genetics/Laboratory Corporation of America, LabCorp).

NM_000199.5(SGSH):c.1130G>A (p.Arg377His)

Gene: SGSH (N-sulfoglucosamine sulfohydrolase; minus strand). Cytogenetic location: 17q25.3.
Variant type: single nucleotide variant.
Coding change: c.1130G>A on transcript NM_000199.5 (MANE Select); coding-DNA position 1130, G replaced by A.
Protein change: p.Arg377His; replaces arginine 377 with histidine.
Molecular consequence: missense variant. On other transcripts: 3 prime UTR variant (2), non-coding transcript variant (1).
Genome position (GRCh38, 1-based): chr17:80,210,831, C>T on the plus strand (G>A on the coding strand, the complement: SGSH is on the minus strand). VCF-style: chr17-80210831-C-T. GRCh37 (hg19) VCF-style: chr17-78184630-C-T.
Other names: p.Arg377His; c.*217G>A (NM_001352921.3); c.*180G>A (NM_001352922.2); c.1130G>A (NM_000199.4); short protein forms R377H.
Identifiers: ClinVar variation 1297691 (VCV001297691.22), dbSNP rs746037899, ClinGen allele CA8817668.